The following is an entry in ClinVar:

ClinVar aggregate classification (germline): Uncertain significance. Review status: criteria provided, multiple submitters, no conflicts (2 of 4 stars). 2 submissions from 2 submitters: Uncertain significance (2). Last evaluated 2025-12-22.

Conditions:
Inborn genetic diseases. Identifiers: MedGen C0950123, MeSH D030342.

Allele frequency attached by ClinVar (database versions not stated): gnomAD exomes below 0.00001; TOPMed 0.00001; ESP Exome Variant Server 0.00009; gnomAD 0.00003.
gnomAD v4.1: 9 of 1,612,218 alleles (0.00056%); highest among the groups gnomAD compares: African/African-American, 0.0013%; no homozygotes.

Submissions (2):

Labcorp Genetics (formerly Invitae), Labcorp
Classification: Uncertain significance. Last evaluated: 2025-12-22. Review status: criteria provided, single submitter. Criteria: Invitae Variant Classification Sherloc (09022015). Collection method: clinical testing. Allele origin: germline.
Comment: This sequence change replaces lysine, which is basic and polar, with arginine, which is basic and polar, at codon 1539 of the ANKRD26 protein (p.Lys1539Arg). The frequency data for this variant in the population databases is considered unreliable, as metrics indicate poor data quality at this position in the gnomAD database. This variant has not been reported in the literature in individuals affected with ANKRD26-related conditions. ClinVar contains an entry for this variant (Variation ID: 2894657). An algorithm developed to predict the effect of missense changes on protein structure and function outputs the following: PolyPhen-2: "Benign". The arginine amino acid residue is found in multiple mammalian species, which suggests that this missense change does not adversely affect protein function. In summary, the available evidence is currently insufficient to determine the role of this variant in disease. Therefore, it has been classified as a Variant of Uncertain Significance.

Ambry Genetics
Classification: Uncertain significance for Inborn genetic diseases. Last evaluated: 2025-05-30. Review status: criteria provided, single submitter. Criteria: Ambry Variant Classification Scheme 2023. Collection method: clinical testing. Allele origin: germline.

NM_014915.3(ANKRD26):c.4616A>G (p.Lys1539Arg)

Gene: ANKRD26 (ankyrin repeat domain 26; minus strand). Cytogenetic location: 10p12.1.
Variant type: single nucleotide variant.
Coding change: c.4616A>G on transcript NM_014915.3 (MANE Select); coding-DNA position 4616, A replaced by G.
Protein change: p.Lys1539Arg; replaces lysine 1539 with arginine.
Molecular consequence: missense variant.
Genome position (GRCh38, 1-based): chr10:27,014,602, T>C on the plus strand (A>G on the coding strand, the complement: ANKRD26 is on the minus strand). VCF-style: chr10-27014602-T-C. GRCh37 (hg19) VCF-style: chr10-27303531-T-C.
Other names: c.4613A>G, p.Lys1538Arg (NM_001256053.2); short protein forms K1538R, K1539R.
Identifiers: ClinVar variation 2894657 (VCV002894657.5), dbSNP rs374895454, ClinGen allele CA204434104.
Genomic context (GRCh38, chr10:27,014,602, plus strand): 5'-TAGAGTTGCTTATATTTTTCCAGTTCGGTTTTATTAAAGTCTTCTTGAGAAGTTTTTATT[T>C]TGGAGAGTTCAGATTCCAGATCTTTAATTCTGAGTTCCATCTGACTTTTCATTGAAGCAA-3'
Protein context (NP_055730.2, residues 1529-1549): RIKDLESELS[Lys1539Arg]IKTSQEDFNK